The following is an entry in ClinVar:

ClinVar aggregate classification (germline): Uncertain significance. Review status: criteria provided, multiple submitters, no conflicts (2 of 4 stars). 3 submissions from 3 submitters: Uncertain significance (3). Last evaluated 2025-06-15.

Conditions:
Predisposition to Wilms tumor.

Allele frequency attached by ClinVar (database versions not stated): gnomAD 0.00006.
gnomAD v4.1: 53 of 1,612,564 alleles (0.0033%); highest among the groups gnomAD compares: Middle Eastern, 0.016%; no homozygotes.

Submissions (3):

Labcorp Genetics (formerly Invitae), Labcorp
Classification: Uncertain significance. Last evaluated: 2025-06-15. Review status: criteria provided, single submitter. Criteria: Invitae Variant Classification Sherloc (09022015). Collection method: clinical testing. Allele origin: germline.
Comment: This sequence change replaces proline, which is neutral and non-polar, with threonine, which is neutral and polar, at codon 787 of the NYNRIN protein (p.Pro787Thr). This variant is present in population databases (rs751504287, gnomAD 0.003%). This variant has not been reported in the literature in individuals affected with NYNRIN-related conditions. ClinVar contains an entry for this variant (Variation ID: 2599812). Experimental studies and prediction algorithms are not available or were not evaluated, and the functional significance of this variant is currently unknown. In summary, the available evidence is currently insufficient to determine the role of this variant in disease. Therefore, it has been classified as a Variant of Uncertain Significance.

St. Jude Molecular Pathology, St. Jude Children's Research Hospital
Classification: Uncertain significance for Predisposition to Wilms tumor. Last evaluated: 2024-12-12. Review status: criteria provided, single submitter. Criteria: St. Jude Assertion Criteria 2020. Collection method: clinical testing. Allele origin: germline.
Comment: The NYNRIN c.2359C>A (p.Pro787Thr) missense change has a maximum subpopulation frequency of 0.002% in gnomAD v2.1.1. The in silico tool REVEL predicts a benign effect on protein function, but to our knowledge this prediction has not been confirmed by functional studies. To our knowledge, this variant has not been reported in individuals with Wilms tumor. In summary, the evidence currently available is insufficient to determine the clinical significance of this variant. It has therefore been classified as of uncertain significance.

Ambry Genetics
Classification: Uncertain significance. Last evaluated: 2023-08-14. Review status: criteria provided, single submitter. Criteria: Ambry Variant Classification Scheme 2023. Collection method: clinical testing. Allele origin: germline.

NM_025081.3(NYNRIN):c.2359C>A (p.Pro787Thr)

Gene: NYNRIN (NYN domain and retroviral integrase containing; plus strand). Cytogenetic location: 14q12.
Variant type: single nucleotide variant.
Coding change: c.2359C>A on transcript NM_025081.3 (MANE Select); coding-DNA position 2359, C replaced by A.
Protein change: p.Pro787Thr; replaces proline 787 with threonine.
Molecular consequence: missense variant.
Genome position (GRCh38, 1-based): chr14:24,410,153, C>A. VCF-style: chr14-24410153-C-A. GRCh37 (hg19) VCF-style: chr14-24879359-C-A.
Other names: short protein forms P787T.
Identifiers: ClinVar variation 2599812 (VCV002599812.4), dbSNP rs751504287, ClinGen allele CA7136949.